The following is an entry in ClinVar:

ClinVar aggregate classification (germline): Uncertain significance (1 of 4 stars; one submission).

Conditions:
Inborn genetic diseases. Identifiers: MedGen C0950123, MeSH D030342.

Allele frequency attached by ClinVar (database versions not stated): gnomAD exomes below 0.00001.
gnomAD v4.1: 1 of 1,614,132 alleles (0.000062%); highest among the groups gnomAD compares: South Asian, 0.0011%; no homozygotes.

Submission:

Ambry Genetics
Classification: Uncertain significance for Inborn genetic diseases. Last evaluated: 2020-03-19. Review status: criteria provided, single submitter. Criteria: Ambry Variant Classification Scheme 2023. Collection method: clinical testing. Allele origin: germline.
Comment: The p.G238D variant (also known as c.713G>A), located in coding exon 6 of the BSCL2 gene, results from a G to A substitution at nucleotide position 713. The glycine at codon 238 is replaced by aspartic acid, an amino acid with similar properties. This amino acid position is highly conserved in available vertebrate species. In addition, this alteration is predicted to be deleterious by in silico analysis. Since supporting evidence is limited at this time, the clinical significance of this alteration remains unclear.

NM_001122955.4(BSCL2):c.905G>A (p.Gly302Asp)

Genes: BSCL2 (BSCL2 lipid droplet biogenesis associated, seipin; minus strand), HNRNPUL2-BSCL2 (HNRNPUL2-BSCL2 readthrough (NMD candidate); minus strand). Cytogenetic location: 11q12.3.
Variant type: single nucleotide variant.
Coding change: c.905G>A on transcript NM_001122955.4 (MANE Select); coding-DNA position 905, G replaced by A.
Protein change: p.Gly302Asp; replaces glycine 302 with aspartic acid.
Molecular consequence: missense variant. On other transcripts: non-coding transcript variant (1), intron variant (1).
Genome position (GRCh38, 1-based): chr11:62,691,380, C>T on the plus strand (G>A on the coding strand, the complement: BSCL2 is on the minus strand). VCF-style: chr11-62691380-C-T. GRCh37 (hg19) VCF-style: chr11-62458852-C-T.
Other names: c.905G>A, p.Gly302Asp (NM_001386027.1, NM_001386028.1); c.713G>A, p.Gly238Asp (NM_032667.6); c.672-239G>A (NM_001130702.2); short protein forms G302D, G238D.
Identifiers: ClinVar variation 1757347 (VCV001757347.2), dbSNP rs1181403099, ClinGen allele CA380960119.